The following is an entry in ClinVar:

NM_001039591.3(USP9X):c.5489C>G (p.Ala1830Gly)

Gene: USP9X (ubiquitin specific peptidase 9 X-linked; plus strand). Cytogenetic location: Xp11.4.
Variant type: single nucleotide variant.
Coding change: c.5489C>G on transcript NM_001039591.3 (MANE Select); coding-DNA position 5489, C replaced by G.
Protein change: p.Ala1830Gly; replaces alanine 1830 with glycine.
Molecular consequence: missense variant.
Genome position (GRCh38, 1-based): chrX:41,216,056, C>G. VCF-style: chrX-41216056-C-G. GRCh37 (hg19) VCF-style: chrX-41075309-C-G.
Other names: c.5489C>G, p.Ala1830Gly (NM_001039590.3); c.5504C>G, p.Ala1835Gly (NM_001410748.1, NM_001410749.1); short protein forms A1830G, A1835G.
Identifiers: ClinVar variation 2580932 (VCV002580932.4), dbSNP rs1236843632, ClinGen allele CA412791113.

ClinVar aggregate classification (germline): Uncertain significance. Review status: criteria provided, multiple submitters, no conflicts (2 of 4 stars). 2 submissions from 2 submitters: Uncertain significance (2). Last evaluated 2025-09-29.

Conditions:
Intellectual developmental disorder, X-linked 99. Also called: Intellectual disability, X-linked 99. Identifiers: Orphanet 777, MedGen C3806746, MONDO:0010487, OMIM 300919.

gnomAD v4.1: 1 of 1,211,473 alleles (0.000083%); highest among the groups gnomAD compares: Admixed American, 0.0022%; no homozygotes.

Submissions (2):

Dasa
Classification: Uncertain significance. Last evaluated: 2025-09-29. Review status: criteria provided, single submitter. Criteria: DASA Assertion Criteria. Collection method: clinical testing. Allele origin: germline.
Comment: NM_001039591.3(USP9X):c.5489C>G (p.Ala1830Gly) is a missense variant that results in the substitution of alanine with glycine. This variant is rare in population databases. The currently available literature and clinical evidence are not sufficient to establish a definitive association between this variant and the reported condition. Therefore, this variant is classified as a variant of uncertain significance.

Institute for Medical Genetics and Human Genetics, Charité - Universitätsmedizin Berlin
Classification: Uncertain significance for Intellectual developmental disorder, X-linked 99. Review status: criteria provided, single submitter. Criteria: ACMG Guidelines, 2015. Collection method: not provided. Allele origin: germline. Inheritance: X-linked inheritance. Affected: yes.